The following is an entry in ClinVar:

ClinVar aggregate classification (germline): Conflicting classifications of pathogenicity. Review status: criteria provided, conflicting classifications (1 of 4 stars). 3 submissions from 3 submitters: Uncertain significance (2); Likely benign (1). Last evaluated 2026-01-21.

Conditions:
KLF11-related disorder. Also called: KLF11-related condition.

Allele frequency attached by ClinVar (database versions not stated): TOPMed 0.00003; gnomAD 0.00004; gnomAD exomes 0.00006; 1000 Genomes Project 30x 0.00016; ExAC 0.00018; 1000 Genomes Project 0.00020.

Submissions (3):

PreventionGenetics, part of Exact Sciences
Classification: Uncertain significance for KLF11-related condition. Last evaluated: 2026-01-21. Review status: criteria provided, single submitter. Criteria: ACMG Guidelines, 2015. Collection method: clinical testing. Allele origin: germline.
Comment: The KLF11 c.49A>G variant is predicted to result in the amino acid substitution p.Ile17Val. To our knowledge, this variant has not been reported in the literature. This variant is reported in 0.11% of alleles in individuals of South Asian descent in gnomAD, which may be too common to be an unreported cause of disease. Although we suspect that this variant may be benign, at this time, the clinical significance of this variant is uncertain due to the absence of conclusive functional and genetic evidence.

Ambry Genetics
Classification: Uncertain significance. Last evaluated: 2025-04-09. Review status: criteria provided, single submitter. Criteria: Ambry Variant Classification Scheme 2023. Collection method: clinical testing. Allele origin: germline.

Labcorp Genetics (formerly Invitae), Labcorp
Classification: Likely benign. Last evaluated: 2022-08-27. Review status: criteria provided, single submitter. Criteria: Invitae Variant Classification Sherloc (09022015). Collection method: clinical testing. Allele origin: germline.

NM_003597.5(KLF11):c.49A>G (p.Ile17Val)

Gene: KLF11 (KLF transcription factor 11; plus strand). Cytogenetic location: 2p25.1.
Variant type: single nucleotide variant.
Coding change: c.49A>G on transcript NM_003597.5 (MANE Select); coding-DNA position 49, A replaced by G.
Protein change: p.Ile17Val; replaces isoleucine 17 with valine.
Molecular consequence: missense variant. On other transcripts: 5 prime UTR variant (2).
Genome position (GRCh38, 1-based): chr2:10,046,156, A>G. VCF-style: chr2-10046156-A-G. GRCh37 (hg19) VCF-style: chr2-10186283-A-G.
Other names: c.-3A>G (NM_001177716.2, NM_001177718.2); c.49A>G (NM_003597.4); short protein forms I17V.
Identifiers: ClinVar variation 2168959 (VCV002168959.8), dbSNP rs200094318, ClinGen allele CA1525383.